The following is an entry in ClinVar:

NM_004006.3(DMD):c.680C>T (p.Ser227Phe)

Gene: DMD (dystrophin; minus strand). Cytogenetic location: Xp21.1.
Variant type: single nucleotide variant.
Coding change: c.680C>T on transcript NM_004006.3 (MANE Select); coding-DNA position 680, C replaced by T.
Protein change: p.Ser227Phe; replaces serine 227 with phenylalanine.
Molecular consequence: missense variant.
Genome position (GRCh38, 1-based): chrX:32,699,263, G>A on the plus strand (C>T on the coding strand, the complement: DMD is on the minus strand). VCF-style: chrX-32699263-G-A. GRCh37 (hg19) VCF-style: chrX-32717380-G-A.
Other names: c.656C>T, p.Ser219Phe (NM_000109.4); c.668C>T, p.Ser223Phe (NM_004009.3); c.311C>T, p.Ser104Phe (NM_004010.3); short protein forms S219F, S104F, S223F, S227F.
Identifiers: ClinVar variation 643869 (VCV000643869.7), dbSNP rs746536387, ClinGen allele CA328553826.

ClinVar aggregate classification (germline): Uncertain significance. Review status: criteria provided, single submitter (1 of 4 stars). 2 submissions from 2 submitters: Uncertain significance (1). 1 of the submissions does not count toward it. Last evaluated 2022-08-09.

Conditions:
Cardiomyopathy (CMYO). Also called: Cardiomyopathies. Identifiers: Orphanet 167848, MedGen C0878544, MONDO:0004994, HP:0001638. Inheritance: Various modes of inheritance.
Duchenne muscular dystrophy (DMD). Also called: MUSCULAR DYSTROPHY, PSEUDOHYPERTROPHIC PROGRESSIVE, DUCHENNE TYPE; Duchenne Muscular Dystrophy (DMD). Identifiers: Orphanet 98896, MedGen C0013264, MONDO:0010679, OMIM 310200.
Becker muscular dystrophy (BMD). Also called: MUSCULAR DYSTROPHY, PSEUDOHYPERTROPHIC PROGRESSIVE, BECKER TYPE; Becker Muscular Dystrophy (BMD). Identifiers: Orphanet 98895, MedGen C0917713, MONDO:0010311, OMIM 300376.
Dystrophin deficiency.

Submissions (2):

Labcorp Genetics (formerly Invitae), Labcorp
Classification: Uncertain significance for Duchenne muscular dystrophy. Last evaluated: 2022-08-09. Review status: criteria provided, single submitter. Criteria: Invitae Variant Classification Sherloc (09022015). Collection method: clinical testing. Allele origin: germline.
Comment: In summary, the available evidence is currently insufficient to determine the role of this variant in disease. Therefore, it has been classified as a Variant of Uncertain Significance. Algorithms developed to predict the effect of missense changes on protein structure and function (SIFT, PolyPhen-2, Align-GVGD) all suggest that this variant is likely to be disruptive. ClinVar contains an entry for this variant (Variation ID: 643869). This variant has not been reported in the literature in individuals affected with DMD-related conditions. This variant is not present in population databases (gnomAD no frequency). This sequence change replaces serine, which is neutral and polar, with phenylalanine, which is neutral and non-polar, at codon 227 of the DMD protein (p.Ser227Phe).

Natera, Inc.
Classification: Uncertain significance for Becker muscular dystrophy; Cardiomyopathy; Duchenne muscular dystrophy; Dystrophin deficiency. Last evaluated: 2021-07-08. Review status: no assertion criteria provided. Collection method: clinical testing. Allele origin: germline. Not counted in ClinVar's aggregate classification.